The following is an entry in ClinVar:

NM_000179.3(MSH6):c.111C>T (p.Ala37=)

Gene: MSH6 (mutS homolog 6; plus strand). Cytogenetic location: 2p16.3.
Variant type: single nucleotide variant.
Coding change: c.111C>T on transcript NM_000179.3 (MANE Select); coding-DNA position 111, C replaced by T.
Protein change: p.Ala37=; no amino-acid change (alanine 37 retained).
Molecular consequence: synonymous variant. On other transcripts: 5 prime UTR variant (1).
Genome position (GRCh38, 1-based): chr2:47,783,344, C>T. VCF-style: chr2-47783344-C-T. GRCh37 (hg19) VCF-style: chr2-48010483-C-T.
Other names: c.111C>T, p.Ala37= (NM_001281492.2); c.-626C>T (NM_001281493.2).
Identifiers: ClinVar variation 416190 (VCV000416190.22), dbSNP rs1011670864, ClinGen allele CA16610832.

ClinVar aggregate classification (germline): Benign/Likely benign. Review status: criteria provided, multiple submitters, no conflicts (2 of 4 stars). 10 submissions from 10 submitters: Benign (1); Likely benign (9). Last evaluated 2025-09-10.

Conditions:
Mismatch repair cancer syndrome 3. Identifiers: MedGen C5436807, MONDO:0030841, OMIM 619097.
Lynch syndrome 5 (LYNCH5). Also called: Colorectal cancer, hereditary nonpolyposis, type 5; Hereditary non-polyposis colorectal cancer, type 5. Identifiers: Orphanet 144, MedGen C1833477, MONDO:0013710, OMIM 614350. Disease mechanism: loss of function.
Hereditary cancer-predisposing syndrome. Also called: Neoplastic Syndromes, Hereditary; Tumor predisposition; Hereditary Cancer Syndrome; Hereditary neoplastic syndrome. Identifiers: Orphanet 140162, MedGen C0027672, MeSH D009386, MONDO:0015356.
Hereditary nonpolyposis colorectal neoplasms. Identifiers: MedGen C0009405, MeSH D003123.
Lynch syndrome. Identifiers: Orphanet 144, MedGen C4552100, MONDO:0005835. Disease mechanism: loss of function.

Allele frequency attached by ClinVar (database versions not stated): gnomAD exomes below 0.00001; gnomAD 0.00001; TOPMed 0.00001.
gnomAD v4.1: 6 of 1,609,762 alleles (0.00037%); highest among the groups gnomAD compares: African/African-American, 0.0027%; no homozygotes.

Submissions (10):

Labcorp Genetics (formerly Invitae), Labcorp
Classification: Likely benign for Hereditary nonpolyposis colorectal neoplasms. Last evaluated: 2025-09-10. Review status: criteria provided, single submitter. Criteria: Invitae Variant Classification Sherloc (09022015). Collection method: clinical testing. Allele origin: germline.

Laboratory of Genetics, Children's Clinical University Hospital Latvia
Classification: Likely benign. Last evaluated: 2025-02-16. Review status: criteria provided, single submitter. Criteria: ACMG Guidelines, 2015. Collection method: clinical testing. Allele origin: germline. Affected: yes.

Myriad Genetics, Inc.
Classification: Benign for Lynch syndrome 5. Last evaluated: 2024-12-17. Review status: criteria provided, single submitter. Criteria: Myriad Autosomal Dominant, Autosomal Recessive and X-Linked Classification Criteria (2023). Collection method: clinical testing. Allele origin: unknown.
Comment: This variant is considered benign. This variant is a silent/synonymous amino acid change and it is not expected to impact splicing.

Department of Pathology and Laboratory Medicine, Sinai Health System
Classification: Likely benign for Mismatch repair cancer syndrome 3. Last evaluated: 2023-11-14. Review status: criteria provided, single submitter. Criteria: ACMG Guidelines, 2015. Collection method: clinical testing. Allele origin: germline. Affected: yes.

All of Us Research Program, National Institutes of Health
Classification: Likely benign for Lynch syndrome. Last evaluated: 2023-11-02. Review status: criteria provided, single submitter. Criteria: ACMG Guidelines, 2015. Collection method: clinical testing. Allele origin: germline. Inheritance: Autosomal dominant inheritance. Observed: 3 variant alleles, 3 heterozygotes.
Comment: This study involves interpretation of variants in research participants for the purpose of population health screening. Participant phenotype was not available at the time of variant classification. Additional details can be found in publication PMID: 35346344, PMCID: PMC8962531

Blueprint Genetics
Classification: Likely benign. Last evaluated: 2023-02-06. Review status: criteria provided, single submitter. Criteria: ACMG Guidelines, 2015. Collection method: clinical testing. Allele origin: germline.

Women's Health and Genetics/Laboratory Corporation of America, LabCorp
Classification: Likely benign. Last evaluated: 2022-10-21. Review status: criteria provided, single submitter. Criteria: LabCorp Variant Classification Summary - May 2015. Collection method: clinical testing. Allele origin: germline.

Ambry Genetics
Classification: Likely benign for Hereditary cancer-predisposing syndrome. Last evaluated: 2021-01-12. Review status: criteria provided, single submitter. Criteria: Ambry Variant Classification Scheme 2023. Collection method: clinical testing. Allele origin: germline.

GeneDx
Classification: Likely benign. Last evaluated: 2017-12-26. Review status: criteria provided, single submitter. Criteria: GeneDx Variant Classification (06012015). Collection method: clinical testing. Allele origin: germline. Affected: yes.
Comment: This variant is considered likely benign or benign based on one or more of the following criteria: it is a conservative change, it occurs at a poorly conserved position in the protein, it is predicted to be benign by multiple in silico algorithms, and/or has population frequency not consistent with disease.

Color Diagnostics, LLC DBA Color Health
Classification: Likely benign for Hereditary cancer-predisposing syndrome. Last evaluated: 2017-02-12. Review status: criteria provided, single submitter. Criteria: ACMG Guidelines, 2015. Collection method: clinical testing. Allele origin: germline.